The following is an entry in ClinVar:

ClinVar aggregate classification (germline): Uncertain significance (1 of 4 stars; one submission).

gnomAD v4.1: 1 of 1,613,298 alleles (0.000062%); highest among the groups gnomAD compares: Non-Finnish European, 0.000085%; no homozygotes.

Submission:

Women's Health and Genetics/Laboratory Corporation of America, LabCorp
Classification: Uncertain significance. Last evaluated: 2024-05-15. Review status: criteria provided, single submitter. Criteria: LabCorp Variant Classification Summary - May 2015. Collection method: clinical testing. Allele origin: germline.
Comment: Variant summary: PAH c.965C>T (p.Ala322Val) results in a non-conservative amino acid change located in the Aromatic amino acid hydroxylase, C-terminal domain (IPR019774) of the encoded protein sequence. Five of five in-silico tools predict a damaging effect of the variant on protein function. The variant was absent in 251246 control chromosomes. c.965C>T has been reported in the literature in at least one compound heterozygous individual affected with Phenylalanine Hydroxylase Deficiency (Phenylketonuria) (e.g. Sterl_2012, e.g. Hillert_2020). These data do not provide sufficient evidence alone to allow any conclusion about variant significance. To our knowledge, no experimental evidence demonstrating an impact on protein function has been reported. A different variant located at the same codon (c.964G>A, p.Ala322Thr) has been classified as pathogenic, supporting a critical relevance of this residue to PAH protein function. The following publications have been ascertained in the context of this evaluation (PMID: 32668217, 22526846). No submitters have cited clinical-significance assessments for this variant to ClinVar. Based on the evidence outlined above, the variant was classified as VUS-possibly pathogenic.

Literature cited by the submitters: PubMed 22526846; PubMed 32668217.

NM_000277.3(PAH):c.965C>T (p.Ala322Val)

Gene: PAH (phenylalanine hydroxylase; minus strand). Cytogenetic location: 12q23.2.
Variant type: single nucleotide variant.
Coding change: c.965C>T on transcript NM_000277.3 (MANE Select); coding-DNA position 965, C replaced by T.
Protein change: p.Ala322Val; replaces alanine 322 with valine.
Molecular consequence: missense variant.
Genome position (GRCh38, 1-based): chr12:102,846,899, G>A on the plus strand (C>T on the coding strand, the complement: PAH is on the minus strand). VCF-style: chr12-102846899-G-A. GRCh37 (hg19) VCF-style: chr12-103240677-G-A.
Other names: c.965C>T, p.Ala322Val (NM_001354304.2); short protein forms A322V.
Identifiers: ClinVar variation 3336568 (VCV003336568.1).